The following is an entry in ClinVar:

NM_015076.5(CDK19):c.586A>G (p.Thr196Ala)

Gene: CDK19 (cyclin dependent kinase 19; minus strand). Cytogenetic location: 6q21.
Variant type: single nucleotide variant.
Coding change: c.586A>G on transcript NM_015076.5 (MANE Select); coding-DNA position 586, A replaced by G.
Protein change: p.Thr196Ala; replaces threonine 196 with alanine.
Molecular consequence: missense variant. On other transcripts: intron variant (1).
Genome position (GRCh38, 1-based): chr6:110,632,090, T>C on the plus strand (A>G on the coding strand, the complement: CDK19 is on the minus strand). VCF-style: chr6-110632090-T-C. GRCh37 (hg19) VCF-style: chr6-110953293-T-C.
Other names: c.586A>G (NM_015076.3); c.406A>G, p.Thr136Ala (NM_001300963.2, NM_001300964.2); c.515-4945A>G (NM_001300960.2); short protein forms T196A, T136A.
Identifiers: ClinVar variation 929847 (VCV000929847.9), dbSNP rs1779473650, ClinGen allele CA365357504.

ClinVar aggregate classification (germline): Pathogenic/Likely pathogenic. Review status: criteria provided, multiple submitters, no conflicts (2 of 4 stars). 3 submissions from 3 submitters: Pathogenic (1); Likely pathogenic (1). 1 of the submissions does not count toward it. Last evaluated 2026-07-13.

Conditions:
Inborn genetic diseases. Identifiers: MedGen C0950123, MeSH D030342.
Developmental and epileptic encephalopathy, 87. Also called: EPILEPTIC ENCEPHALOPATHY, EARLY INFANTILE, 87. Identifiers: MedGen C5394501, MONDO:0030059, OMIM 618916.

Submissions (3):

Undiagnosed Diseases Network, NIH
Classification: Likely pathogenic for Developmental and epileptic encephalopathy, 87. Last evaluated: 2026-07-13. Review status: criteria provided, single submitter. Criteria: ACMG Guidelines, 2015. Collection method: clinical testing. Allele origin: de novo. Inheritance: Autosomal dominant inheritance. Affected: yes. Observed: 1 variant allele, 1 heterozygote. Study: Undiagnosed Diseases Network (NIH), UDN.

Ambry Genetics
Classification: Pathogenic for Inborn genetic diseases. Last evaluated: 2021-10-08. Review status: criteria provided, single submitter. Criteria: Ambry Variant Classification Scheme 2023. Collection method: clinical testing. Allele origin: germline.
Comment: The c.586A>G (p.T196A) alteration is located in exon 6 (coding exon 6) of the CDK19 gene. This alteration results from an A to G substitution at nucleotide position 586, causing the threonine (T) at amino acid position 196 to be replaced by an alanine (A). This variant was not reported in population-based cohorts in the Genome Aggregation Database (gnomAD). This alteration has been reported de novo in two unrelated patients with a neurodevelopmental disorder with features including developmental delay, intellectual disability, epilepsy, hypotonia, autistic features, and abnormal brain MRI (Chung, 2020). This amino acid position is highly conserved in available vertebrate species. This missense alteration is located in a region that has a low rate of benign missense variation (Lek, 2016; Firth, 2009). Functional studies using flies have shown that loss of Cdk8, the fly homolog of CDK19, causes larval lethality, which is suppressed by expression of human CDK19 reference cDNA. In contrast, the CDK19 p.T196A variant fails to rescue the loss of Cdk8 and behaves as a null allele (Chung, 2020). The in silico prediction for this alteration is inconclusive. Based on the available evidence, this alteration is classified as pathogenic.

OMIM
Classification: Pathogenic for DEVELOPMENTAL AND EPILEPTIC ENCEPHALOPATHY 87. Last evaluated: 2020-10-21. Review status: no assertion criteria provided. Collection method: literature only. Allele origin: germline. Not counted in ClinVar's aggregate classification.

Literature cited by the submitters: PubMed 32330417 (cited by 3 submitters).